The following is an entry in ClinVar:

ClinVar aggregate classification (germline): Uncertain significance (1 of 4 stars; one submission).

Submission:

Labcorp Genetics (formerly Invitae), Labcorp
Classification: Uncertain significance. Last evaluated: 2024-04-16. Review status: criteria provided, single submitter. Criteria: Invitae Variant Classification Sherloc (09022015). Collection method: clinical testing. Allele origin: germline.
Comment: This sequence change replaces serine, which is neutral and polar, with threonine, which is neutral and polar, at codon 1246 of the SETD5 protein (p.Ser1246Thr). This variant is not present in population databases (gnomAD no frequency). This variant has not been reported in the literature in individuals affected with SETD5-related conditions. Advanced modeling of protein sequence and biophysical properties (such as structural, functional, and spatial information, amino acid conservation, physicochemical variation, residue mobility, and thermodynamic stability) performed at Invitae indicates that this missense variant is not expected to disrupt SETD5 protein function with a negative predictive value of 80%. In summary, the available evidence is currently insufficient to determine the role of this variant in disease. Therefore, it has been classified as a Variant of Uncertain Significance.

NM_001080517.3(SETD5):c.3737G>C (p.Ser1246Thr)

Gene: SETD5 (SET domain containing 5; plus strand). Cytogenetic location: 3p25.3.
Variant type: single nucleotide variant.
Coding change: c.3737G>C on transcript NM_001080517.3 (MANE Select); coding-DNA position 3737, G replaced by C.
Protein change: p.Ser1246Thr; replaces serine 1246 with threonine.
Molecular consequence: missense variant.
Genome position (GRCh38, 1-based): chr3:9,475,499, G>C. VCF-style: chr3-9475499-G-C. GRCh37 (hg19) VCF-style: chr3-9517183-G-C.
Other names: c.3443G>C, p.Ser1148Thr (NM_001292043.2, NM_001349451.2); short protein forms S1246T, S1148T.
Identifiers: ClinVar variation 2838293 (VCV002838293.3), dbSNP rs759402563, ClinGen allele CA351690685.